The following is an entry in ClinVar:

NM_004408.4(DNM1):c.2536C>T (p.Arg846Ter)

Gene: DNM1 (dynamin 1; plus strand). Cytogenetic location: 9q34.11.
Variant type: single nucleotide variant.
Coding change: c.2536C>T on transcript NM_004408.4 (MANE Select); coding-DNA position 2536, C replaced by T.
Protein change: p.Arg846Ter; replaces arginine 846 with a stop codon.
Molecular consequence: nonsense. On other transcripts: 3 prime UTR variant (3).
Genome position (GRCh38, 1-based): chr9:128,254,655, C>T. VCF-style: chr9-128254655-C-T. GRCh37 (hg19) VCF-style: chr9-131016934-C-T.
Other names: c.*17C>T (NM_001005336.3, NM_001288737.2); c.*662C>T (NM_001288738.2); c.2536C>T, p.Arg846Ter (NM_001288739.2); short protein forms R846*.
Identifiers: ClinVar variation 488945 (VCV000488945.14), dbSNP rs752575279, ClinGen allele CA5258492.

ClinVar aggregate classification (germline): Conflicting classifications of pathogenicity. Review status: criteria provided, conflicting classifications (1 of 4 stars). 2 submissions from 2 submitters: Uncertain significance (1); Likely benign (1). Last evaluated 2026-08-26.

Conditions:
Developmental and epileptic encephalopathy, 31A. Also called: Epileptic encephalopathy, early infantile, 31; Developmental and epileptic encephalopathy, 31. Identifiers: Orphanet 2382, MedGen C4225357, MONDO:0014598, OMIM 616346.

Allele frequency attached by ClinVar (database versions not stated): gnomAD exomes 0.00001 and 0.00003; TOPMed 0.00002; gnomAD 0.00001; ExAC 0.00002.
gnomAD v4.1: 13 of 1,596,148 alleles (0.00081%); highest among the groups gnomAD compares: Admixed American, 0.012%; no homozygotes.

Submissions (2):

GeneDx
Classification: Uncertain significance. Last evaluated: 2026-08-26. Review status: criteria provided, single submitter. Criteria: GeneDx Variant Classification Process June 2021. Collection method: clinical testing. Allele origin: germline.
Comment: Nonsense variant predicted to result in protein truncation as the last 19 amino acid(s) are lost; Has not been previously published as pathogenic or benign to our knowledge

Labcorp Genetics (formerly Invitae), Labcorp
Classification: Likely benign for Developmental and epileptic encephalopathy, 31A. Last evaluated: 2025-05-10. Review status: criteria provided, single submitter. Criteria: Invitae Variant Classification Sherloc (09022015). Collection method: clinical testing. Allele origin: germline.